The following is an entry in ClinVar:

NM_001363711.2(DUOX2):c.2757G>C (p.Leu919=)

Gene: DUOX2 (dual oxidase 2; minus strand). Cytogenetic location: 15q21.1.
Variant type: single nucleotide variant.
Coding change: c.2757G>C on transcript NM_001363711.2 (MANE Select); coding-DNA position 2757, G replaced by C.
Protein change: p.Leu919=; no amino-acid change (leucine 919 retained).
Molecular consequence: synonymous variant.
Genome position (GRCh38, 1-based): chr15:45,101,887, C>G on the plus strand (G>C on the coding strand, the complement: DUOX2 is on the minus strand). VCF-style: chr15-45101887-C-G. GRCh37 (hg19) VCF-style: chr15-45394085-C-G.
Other names: c.2757G>C, p.Leu919= (NM_014080.5).
Identifiers: ClinVar variation 3055287 (VCV003055287.2), dbSNP rs550082201, ClinGen allele CA490217900.

ClinVar aggregate classification (germline): Likely benign (0 of 4 stars; one submission).

Conditions:
DUOX2-related disorder. Also called: DUOX2-related condition.

Submission:

PreventionGenetics, part of Exact Sciences
Classification: Likely benign for DUOX2-related condition. Last evaluated: 2023-01-09. Review status: no assertion criteria provided. Collection method: clinical testing. Allele origin: germline.
Comment: This variant is classified as likely benign based on ACMG/AMP sequence variant interpretation guidelines (Richards et al. 2015 PMID: 25741868, with internal and published modifications).